The following is an entry in ClinVar:

ClinVar aggregate classification (germline): Uncertain significance (1 of 4 stars; one submission).

Submission:

Labcorp Genetics (formerly Invitae), Labcorp
Classification: Uncertain significance. Last evaluated: 2022-06-30. Review status: criteria provided, single submitter. Criteria: Invitae Variant Classification Sherloc (09022015). Collection method: clinical testing. Allele origin: germline.
Comment: This variant has not been reported in the literature in individuals affected with NPR3-related conditions. In summary, the available evidence is currently insufficient to determine the role of this variant in disease. Therefore, it has been classified as a Variant of Uncertain Significance. Experimental studies and prediction algorithms are not available or were not evaluated, and the functional significance of this variant is currently unknown. This variant is not present in population databases (gnomAD no frequency). This variant, c.86_106del, results in the deletion of 7 amino acid(s) of the NPR3 protein (p.Val29_Gly35del), but otherwise preserves the integrity of the reading frame.

NM_001204375.2(NPR3):c.86_106del (p.Val29_Gly35del)

Genes: NPR3 (natriuretic peptide receptor 3; plus strand), LOC123493284 (Sharpr-MPRA regulatory region 158; plus strand). Cytogenetic location: 5p13.3.
Variant type: Deletion.
Coding change: c.86_106del on transcript NM_001204375.2 (MANE Select); coding-DNA positions 86 to 106, 21 bases deleted (TTGGCGGCGGCGGCGGTGGCG).
Protein change: p.Val29_Gly35del.
Molecular consequence: inframe deletion. On other transcripts: intron variant (4).
Genome position (GRCh38, 1-based): chr5:32,711,862-32,711,882, TTGGCGGCGGCGGCGGTGGCG deleted; deleting any 21 consecutive bases within chr5:32,711,852-32,711,882 gives the same sequence; the c. name uses the placement nearest the transcript's 3' end. VCF-style (leftmost placement, unchanged base first): chr5-32711851-TGGCGGTGGCGTTGGCGGCGGC-T. GRCh37 (hg19) VCF-style: chr5-32711957-TGGCGGTGGCGTTGGCGGCGGC-T.
Other names: c.86_106del, p.Val29_Gly35del (NM_000908.4); c.50-12836_50-12816del (NM_001364458.2); c.121+1079_121+1099del (NM_001363652.2, NM_001204376.2, NM_001364460.2).
Identifiers: ClinVar variation 1983907 (VCV001983907.4), dbSNP rs748840900, ClinGen allele CA3222324.